The following is an entry in ClinVar:

ClinVar aggregate classification (germline): Conflicting classifications of pathogenicity. Review status: criteria provided, conflicting classifications (1 of 4 stars). 5 submissions from 5 submitters: Uncertain significance (1); Likely benign (3). 1 of the submissions does not count toward it. Last evaluated 2026-02-03.

Conditions:
Juvenile polyposis syndrome (JPS). Identifiers: Orphanet 2929, MedGen C0345893, MONDO:0017380, OMIM 174900.
Hereditary cancer-predisposing syndrome. Also called: Hereditary Cancer Syndrome; Tumor predisposition; Hereditary neoplastic syndrome; Neoplastic Syndromes, Hereditary. Identifiers: Orphanet 140162, MedGen C0027672, MeSH D009386, MONDO:0015356.

Allele frequency attached by ClinVar (database versions not stated): gnomAD exomes 0.00005; ExAC 0.00006; gnomAD 0.00018 and 0.00017; TOPMed 0.00020; 1000 Genomes Project 0.00060; 1000 Genomes Project 30x 0.00078; ESP Exome Variant Server 0.00015.
gnomAD v4.1: 53 of 1,592,336 alleles (0.0033%); highest among the groups gnomAD compares: African/African-American, 0.065%; no homozygotes.

Submissions (5):

Labcorp Genetics (formerly Invitae), Labcorp
Classification: Likely benign for Juvenile polyposis syndrome. Last evaluated: 2026-02-03. Review status: criteria provided, single submitter. Criteria: Invitae Variant Classification Sherloc (09022015). Collection method: clinical testing. Allele origin: germline.

Blueprint Genetics
Classification: Likely benign. Last evaluated: 2024-09-11. Review status: criteria provided, single submitter. Criteria: ACMG Guidelines, 2015. Collection method: clinical testing. Allele origin: germline.

GeneDx
Classification: Uncertain significance. Last evaluated: 2017-05-08. Review status: criteria provided, single submitter. Criteria: GeneDx Variant Classification (06012015). Collection method: clinical testing. Allele origin: germline. Affected: yes.
Comment: This variant is denoted SMAD4 c.904+14T>C or IVS7+14T>C and consists of a T>C nucleotide substitution at the +14 position of intron 7 of the SMAD4 gene. Multiple in silico models are uninformative regarding the effect of this variant on the nearby natural donor site and possible impact on gene splicing. In the absence of RNA or functional studies, the actual effect of this variant is unknown. This variant has not, to our knowledge, been published in the literature as pathogenic or benign. SMAD4 c.904+14T>C was not observed at a significant allele frequency in 1000 Genomes. The thymine (T) nucleotide that is altered is conserved through mammals. Based on currently available information, it is unclear whether SMAD4 c.904+14T>C is pathogenic or benign. We consider it to be a variant of uncertain significance.

Color Diagnostics, LLC DBA Color Health
Classification: Likely benign for Hereditary cancer-predisposing syndrome. Last evaluated: 2016-03-17. Review status: criteria provided, single submitter. Criteria: ACMG Guidelines, 2015. Collection method: clinical testing. Allele origin: germline.

Counsyl
Classification: Likely benign for Juvenile polyposis syndrome. Last evaluated: 2017-10-13. Review status: no assertion criteria provided. Collection method: clinical testing. Allele origin: unknown. Not counted in ClinVar's aggregate classification.

NM_005359.6(SMAD4):c.904+14T>C

Gene: SMAD4 (SMAD family member 4; plus strand). Cytogenetic location: 18q21.2.
Variant type: single nucleotide variant.
Coding change: c.904+14T>C on transcript NM_005359.6 (MANE Select); 14 bases into the intron after coding-DNA position 904, T replaced by C.
Molecular consequence: intron variant.
Genome position (GRCh38, 1-based): chr18:51,058,470, T>C. VCF-style: chr18-51058470-T-C. GRCh37 (hg19) VCF-style: chr18-48584840-T-C.
Identifiers: ClinVar variation 245952 (VCV000245952.14), dbSNP rs200973136, ClinGen allele CA8965924.